The following is an entry in ClinVar:

NM_001039591.3(USP9X):c.3895A>C (p.Ile1299Leu)

Gene: USP9X (ubiquitin specific peptidase 9 X-linked; plus strand). Cytogenetic location: Xp11.4.
Variant type: single nucleotide variant.
Coding change: c.3895A>C on transcript NM_001039591.3 (MANE Select); coding-DNA position 3895, A replaced by C.
Protein change: p.Ile1299Leu; replaces isoleucine 1299 with leucine.
Molecular consequence: missense variant.
Genome position (GRCh38, 1-based): chrX:41,189,393, A>C. VCF-style: chrX-41189393-A-C. GRCh37 (hg19) VCF-style: chrX-41048646-A-C.
Other names: c.3895A>C, p.Ile1299Leu (NM_001039590.3); short protein forms I1299L.
Identifiers: ClinVar variation 1375777 (VCV001375777.7), dbSNP rs1246487454, ClinGen allele CA412768968.
Genomic context (GRCh38, chrX:41,189,393, plus strand): 5'-TTGGAAGACGAACAGGTTTGCTGTGAAGCATTGGAAGTGATGACCTTATGTTTTGCCTTG[A>C]TTCCAACAGCCTTAGATGCTCTTAGTAAAGAAAAGGCTTGGCAGACATTCATCATTGACT-3'
Protein context (NP_001034680.2, residues 1289-1309): LEVMTLCFAL[Ile1299Leu]PTALDALSKE

ClinVar aggregate classification (germline): Uncertain significance. Review status: criteria provided, multiple submitters, no conflicts (2 of 4 stars). 2 submissions from 2 submitters: Uncertain significance (2). Last evaluated 2024-01-01.

Conditions:
Intellectual developmental disorder, X-linked 99, syndromic, female-restricted. Also called: Intellectual disability, X-linked 99, syndromic, female-restricted. Identifiers: MedGen C4225416, MONDO:0010502, OMIM 300968.

Allele frequency attached by ClinVar (database versions not stated): TOPMed 0.00001.

Submissions (2):

Daryl Scott Lab, Baylor College of Medicine
Classification: Uncertain significance for Intellectual developmental disorder, X-linked 99, syndromic, female-restricted. Last evaluated: 2024-01-01. Review status: criteria provided, single submitter. Criteria: ACMG Guidelines, 2015. Collection method: clinical testing. Allele origin: maternal. Observed: 1 heterozygote.
Comment: PM2, PP3

Labcorp Genetics (formerly Invitae), Labcorp
Classification: Uncertain significance. Last evaluated: 2021-08-17. Review status: criteria provided, single submitter. Criteria: Invitae Variant Classification Sherloc (09022015). Collection method: clinical testing. Allele origin: germline.
Comment: This sequence change replaces isoleucine with leucine at codon 1299 of the USP9X protein (p.Ile1299Leu). The isoleucine residue is moderately conserved and there is a small physicochemical difference between isoleucine and leucine. In summary, the available evidence is currently insufficient to determine the role of this variant in disease. Therefore, it has been classified as a Variant of Uncertain Significance. Algorithms developed to predict the effect of missense changes on protein structure and function (SIFT, PolyPhen-2, Align-GVGD) all suggest that this variant is likely to be tolerated. This variant has not been reported in the literature in individuals affected with USP9X-related conditions. This variant is not present in population databases (ExAC no frequency).